The following is an entry in ClinVar:

NM_005188.4(CBL):c.2452C>T (p.Gln818Ter)

Gene: CBL (Cbl proto-oncogene; plus strand). Cytogenetic location: 11q23.3.
Variant type: single nucleotide variant.
Coding change: c.2452C>T on transcript NM_005188.4 (MANE Select); coding-DNA position 2452, C replaced by T.
Protein change: p.Gln818Ter; replaces glutamine 818 with a stop codon.
Molecular consequence: nonsense.
Genome position (GRCh38, 1-based): chr11:119,299,512, C>T. VCF-style: chr11-119299512-C-T. GRCh37 (hg19) VCF-style: chr11-119170222-C-T.
Other names: short protein forms Q818*.
Identifiers: ClinVar variation 2804018 (VCV002804018.3), dbSNP rs1470726861, ClinGen allele CA382931873.

ClinVar aggregate classification (germline): Uncertain significance (1 of 4 stars; one submission).

Conditions:
RASopathy. Also called: rasopathies; Noonan spectrum disorder. Identifiers: Orphanet 536391, MedGen C5555857, MONDO:0021060.

Submission:

Labcorp Genetics (formerly Invitae), Labcorp
Classification: Uncertain significance for RASopathy. Last evaluated: 2023-07-08. Review status: criteria provided, single submitter. Criteria: Invitae Variant Classification Sherloc (09022015). Collection method: clinical testing. Allele origin: germline.
Comment: In summary, the available evidence is currently insufficient to determine the role of this variant in disease. Therefore, it has been classified as a Variant of Uncertain Significance. Experimental studies and prediction algorithms are not available or were not evaluated, and the functional significance of this variant is currently unknown. This variant has not been reported in the literature in individuals affected with CBL-related conditions. This variant is not present in population databases (gnomAD no frequency). This sequence change creates a premature translational stop signal (p.Gln818*) in the CBL gene. While this is not anticipated to result in nonsense mediated decay, it is expected to disrupt the last 89 amino acid(s) of the CBL protein.